The following is an entry in ClinVar:

ClinVar aggregate classification (germline): Likely pathogenic (1 of 4 stars; one submission).

Conditions:
Galactosylceramide beta-galactosidase deficiency. Also called: Krabbe Disease; Leukodystrophy, Globoid Cell; GALACTOCEREBROSIDASE DEFICIENCY; GALC DEFICIENCY; GLOBOID CELL LEUKOENCEPHALOPATHY. Identifiers: Orphanet 487, MedGen C0023521, MONDO:0009499, OMIM 245200.

Submission:

Labcorp Genetics (formerly Invitae), Labcorp
Classification: Likely pathogenic for Galactosylceramide beta-galactosidase deficiency. Last evaluated: 2018-09-28. Review status: criteria provided, single submitter. Criteria: Invitae Variant Classification Sherloc (09022015). Collection method: clinical testing. Allele origin: germline.
Comment: This variant is a gross deletion of the genomic region encompassing exons 12-17 of the GALC gene. The 5' boundary is likely confined to intron 11. The 3' end of this event is unknown as it extends through the termination codon beyond the assayed region for this gene and may encompass additional genes. While this deletion is not anticipated to result in nonsense mediated decay, it is expected to create a truncated protein product or disrupt mRNA translation. This variant has not been reported in the literature in individuals with GALC-related disease. This variant disrupts the p.Tyr567 amino acid residue in GALC. Other variant(s) that disrupt this residue have been observed in affected individuals (PMID: 9338580, 22520351, 27126738, 26865610), suggesting that it is a clinically significant residue. As a result, variants that disrupt this residue are likely to be causative of disease. In summary, the currently available evidence indicates that the variant is pathogenic, but additional data are needed to prove that conclusively. Therefore, this variant has been classified as Likely Pathogenic.

Literature cited by the submitters: PubMed 22520351; PubMed 9338580; PubMed 26865610; PubMed 27126738.

NC_000014.9:g.(?_87934712)_(87949951_?)del

Gene: GALC (galactosylceramidase; minus strand). Cytogenetic location: 14q31.3.
Variant type: Deletion.
Identifiers: ClinVar variation 655243 (VCV000655243.1).